The following is an entry in ClinVar:

NM_001374736.1(DST):c.21676G>A (p.Val7226Met)

Gene: DST (dystonin; minus strand). Cytogenetic location: 6p12.1.
Variant type: single nucleotide variant.
Coding change: c.21676G>A on transcript NM_001374736.1 (MANE Select); coding-DNA position 21676, G replaced by A.
Protein change: p.Val7226Met; replaces valine 7226 with methionine.
Molecular consequence: missense variant.
Genome position (GRCh38, 1-based): chr6:56,476,337, C>T on the plus strand (G>A on the coding strand, the complement: DST is on the minus strand). VCF-style: chr6-56476337-C-T. GRCh37 (hg19) VCF-style: chr6-56341135-C-T.
Other names: c.15319G>A, p.Val5107Met (NM_001144769.5); c.14905G>A, p.Val4969Met (NM_001144770.2); c.21676G>A, p.Val7226Met (NM_001374722.1); c.20716G>A, p.Val6906Met (NM_001374729.1); c.14458G>A, p.Val4820Met (NM_001374730.1); c.21703G>A, p.Val7235Met (NM_001374734.1); c.14785G>A, p.Val4929Met (NM_001386100.1, NM_183380.4); c.13807G>A, p.Val4603Met (NM_015548.5); short protein forms V4603M, V6906M, V5107M, V7235M, V4929M, V4820M, V4969M, V7226M.
Identifiers: ClinVar variation 2088477 (VCV002088477.4), dbSNP rs2533567230, ClinGen allele CA364510606.

ClinVar aggregate classification (germline): Uncertain significance (1 of 4 stars; one submission).

Conditions:
Hereditary sensory and autonomic neuropathy type 6. Also called: HSAN VI; Neuropathy, hereditary sensory and autonomic, type VI. Identifiers: Orphanet 314381, MedGen C3539003, MONDO:0013839, OMIM 614653.
Epidermolysis bullosa simplex 3, localized or generalized intermediate, with BP230 deficiency (EBS3). Also called: Epidermolysis bullosa simplex, autosomal recessive 2; Epidermolysis bullosa simplex due to BP230 deficiency. Identifiers: Orphanet 412181, MedGen C3809470, MONDO:0014180, OMIM 615425.

Submission:

Labcorp Genetics (formerly Invitae), Labcorp
Classification: Uncertain significance for Epidermolysis bullosa simplex 3, localized or generalized intermediate, with BP230 deficiency; Hereditary sensory and autonomic neuropathy type 6. Last evaluated: 2022-01-21. Review status: criteria provided, single submitter. Criteria: Invitae Variant Classification Sherloc (09022015). Collection method: clinical testing. Allele origin: germline.
Comment: The DST gene has multiple clinically relevant transcripts. This variant occurs in alternate transcript NM_015548.4, and corresponds to NM_001723.5:c.*139180G>A in the primary transcript. This sequence change replaces valine, which is neutral and non-polar, with methionine, which is neutral and non-polar, at codon 4603 of the DST protein (p.Val4603Met). This variant is not present in population databases (gnomAD no frequency). This variant has not been reported in the literature in individuals affected with DST-related conditions. Experimental studies and prediction algorithms are not available or were not evaluated, and the functional significance of this variant is currently unknown. In summary, the available evidence is currently insufficient to determine the role of this variant in disease. Therefore, it has been classified as a Variant of Uncertain Significance.